The following is an entry in ClinVar:

NM_000038.6(APC):c.7780T>G (p.Ser2594Ala)

Gene: APC (APC regulator of Wnt signaling pathway; plus strand). Cytogenetic location: 5q22.2.
Variant type: single nucleotide variant.
Coding change: c.7780T>G on transcript NM_000038.6 (MANE Select); coding-DNA position 7780, T replaced by G.
Protein change: p.Ser2594Ala; replaces serine 2594 with alanine.
Molecular consequence: missense variant.
Genome position (GRCh38, 1-based): chr5:112,843,374, T>G. VCF-style: chr5-112843374-T-G. GRCh37 (hg19) VCF-style: chr5-112179071-T-G.
Other names: c.7780T>G, p.Ser2594Ala (NM_001127510.3, NM_001354895.2); c.7726T>G, p.Ser2576Ala (NM_001127511.3); c.7834T>G, p.Ser2612Ala (NM_001354896.2); c.7810T>G, p.Ser2604Ala (NM_001354897.2); c.7705T>G, p.Ser2569Ala (NM_001354898.2); c.7696T>G, p.Ser2566Ala (NM_001354899.2); c.7657T>G, p.Ser2553Ala (NM_001354900.2); c.7603T>G, p.Ser2535Ala (NM_001354901.2); and 5 more; short protein forms S2311A, S2434A, S2468A, S2493A, S2503A, S2535A, S2553A, S2566A.
Identifiers: ClinVar variation 1692385 (VCV001692385.1), dbSNP rs2149993690, ClinGen allele CA16038234.

ClinVar aggregate classification (germline): Uncertain significance (1 of 4 stars; one submission).

Conditions:
Hereditary cancer-predisposing syndrome. Also called: Hereditary Cancer Syndrome; Hereditary neoplastic syndrome; Neoplastic Syndromes, Hereditary; Tumor predisposition. Identifiers: Orphanet 140162, MedGen C0027672, MeSH D009386, MONDO:0015356.

Submission:

Sema4
Classification: Uncertain significance for Hereditary cancer-predisposing syndrome. Last evaluated: 2021-12-13. Review status: criteria provided, single submitter. Criteria: Sema4 Curation Guidelines. Collection method: curation. Allele origin: germline.
Comment: The APC c.7780T>G (p.S2594A) variant has not been reported in the literature to our knowledge. It was not observed in the large and broad cohorts of the Genome Aggregation Database (PMID: 32461654), nor in ClinVar. Functional studies have not been performed, and in silico predictions of the variant's effect on protein function are inconclusive. The evidence is insufficient to meet ACMG/AMP criteria for classifying the variant as benign or pathogenic. Thus, the clinical significance of this variant is currently uncertain.